The following is an entry in ClinVar:

ClinVar aggregate classification (germline): Uncertain significance (1 of 4 stars; one submission).

Conditions:
DYRK1B-related disorder. Also called: DYRK1B-related condition.

gnomAD v4.1: 12 of 1,585,856 alleles (0.00076%); highest among the groups gnomAD compares: African/African-American, 0.0094%; no homozygotes.

Submission:

PreventionGenetics, part of Exact Sciences
Classification: Uncertain significance for DYRK1B-related condition. Last evaluated: 2025-05-14. Review status: criteria provided, single submitter. Criteria: ACMG Guidelines, 2015. Collection method: clinical testing. Allele origin: germline.
Comment: The DYRK1B c.1322C>T variant is predicted to result in the amino acid substitution p.Thr441Met. To our knowledge, this variant has not been reported in the literature. This variant is reported in 0.0085% of alleles in individuals of African descent in gnomAD. At this time, the clinical significance of this variant is uncertain due to the absence of conclusive functional and genetic evidence.

NM_004714.3(DYRK1B):c.1322C>T (p.Thr441Met)

Gene: DYRK1B (dual specificity tyrosine phosphorylation regulated kinase 1B; minus strand). Cytogenetic location: 19q13.2.
Variant type: single nucleotide variant.
Coding change: c.1322C>T on transcript NM_004714.3 (MANE Select); coding-DNA position 1322, C replaced by T.
Protein change: p.Thr441Met; replaces threonine 441 with methionine.
Molecular consequence: missense variant.
Genome position (GRCh38, 1-based): chr19:39,826,761, G>A on the plus strand (C>T on the coding strand, the complement: DYRK1B is on the minus strand). VCF-style: chr19-39826761-G-A. GRCh37 (hg19) VCF-style: chr19-40317401-G-A.
Other names: c.1202C>T, p.Thr401Met (NM_006483.3); c.1238C>T, p.Thr413Met (NM_006484.3); short protein forms T401M, T441M, T413M.
Identifiers: ClinVar variation 4979470 (VCV004979470.1).